The following is an entry in ClinVar:

ClinVar aggregate classification (germline): Uncertain significance (1 of 4 stars; one submission).

Submission:

Ambry Genetics
Classification: Uncertain significance. Last evaluated: 2021-11-30. Review status: criteria provided, single submitter. Criteria: Ambry Variant Classification Scheme 2023. Collection method: clinical testing. Allele origin: germline.
Comment: The p.E659A variant (also known as c.1976A>C), located in coding exon 18 of the BUB1 gene, results from an A to C substitution at nucleotide position 1976. The glutamic acid at codon 659 is replaced by alanine, an amino acid with dissimilar properties. This amino acid position is conserved. In addition, this alteration is predicted to be tolerated by in silico analysis. Since supporting evidence is limited at this time, the clinical significance of this alteration remains unclear.

NM_004336.5(BUB1):c.1976A>C (p.Glu659Ala)

Gene: BUB1 (BUB1 mitotic checkpoint serine/threonine kinase; minus strand). Cytogenetic location: 2q13.
Variant type: single nucleotide variant.
Coding change: c.1976A>C on transcript NM_004336.5 (MANE Select); coding-DNA position 1976, A replaced by C.
Protein change: p.Glu659Ala; replaces glutamic acid 659 with alanine.
Molecular consequence: missense variant.
Genome position (GRCh38, 1-based): chr2:110,650,773, T>G on the plus strand (A>C on the coding strand, the complement: BUB1 is on the minus strand). VCF-style: chr2-110650773-T-G. GRCh37 (hg19) VCF-style: chr2-111408350-T-G.
Other names: c.1916A>C, p.Glu639Ala (NM_001278616.2); c.1976A>C, p.Glu659Ala (NM_001278617.2); short protein forms E659A, E639A.
Identifiers: ClinVar variation 1783704 (VCV001783704.2), dbSNP rs749852626, ClinGen allele CA348210167.